The following is an entry in ClinVar:

ClinVar aggregate classification (germline): Uncertain significance. Review status: criteria provided, multiple submitters, no conflicts (2 of 4 stars). 2 submissions from 2 submitters: Uncertain significance (2). Last evaluated 2023-05-16.

Submissions (2):

Labcorp Genetics (formerly Invitae), Labcorp
Classification: Uncertain significance. Last evaluated: 2023-05-16. Review status: criteria provided, single submitter. Criteria: Invitae Variant Classification Sherloc (09022015). Collection method: clinical testing. Allele origin: germline.
Comment: In summary, the available evidence is currently insufficient to determine the role of this variant in disease. Therefore, it has been classified as a Variant of Uncertain Significance. Advanced modeling of protein sequence and biophysical properties (such as structural, functional, and spatial information, amino acid conservation, physicochemical variation, residue mobility, and thermodynamic stability) performed at Invitae indicates that this missense variant is not expected to disrupt GRIA3 protein function. This variant has not been reported in the literature in individuals affected with GRIA3-related conditions. This variant is not present in population databases (gnomAD no frequency). This sequence change replaces asparagine, which is neutral and polar, with lysine, which is basic and polar, at codon 400 of the GRIA3 protein (p.Asn400Lys).

Blueprint Genetics
Classification: Uncertain significance. Last evaluated: 2021-10-26. Review status: criteria provided, single submitter. Criteria: ACMG Guidelines, 2015. Collection method: clinical testing. Allele origin: germline.

NM_007325.5(GRIA3):c.1200T>G (p.Asn400Lys)

Gene: GRIA3 (glutamate ionotropic receptor AMPA type subunit 3; plus strand). Cytogenetic location: Xq25.
Variant type: single nucleotide variant.
Coding change: c.1200T>G on transcript NM_007325.5 (MANE Select); coding-DNA position 1200, T replaced by G.
Protein change: p.Asn400Lys; replaces asparagine 400 with lysine.
Molecular consequence: missense variant.
Genome position (GRCh38, 1-based): chrX:123,403,426, T>G. VCF-style: chrX-123403426-T-G. GRCh37 (hg19) VCF-style: chrX-122537277-T-G.
Other names: c.1200T>G, p.Asn400Lys (NM_000828.5); short protein forms N400K.
Identifiers: ClinVar variation 2800973 (VCV002800973.4), dbSNP rs502434, ClinGen allele CA414258653.